The following is an entry in ClinVar:

NM_144973.4(DENND5B):c.2024G>A (p.Ser675Asn)

Gene: DENND5B (DENN domain containing 5B; minus strand). Cytogenetic location: 12p11.21.
Variant type: single nucleotide variant.
Coding change: c.2024G>A on transcript NM_144973.4 (MANE Select); coding-DNA position 2024, G replaced by A.
Protein change: p.Ser675Asn; replaces serine 675 with asparagine.
Molecular consequence: missense variant.
Genome position (GRCh38, 1-based): chr12:31,433,237, C>T on the plus strand (G>A on the coding strand, the complement: DENND5B is on the minus strand). VCF-style: chr12-31433237-C-T. GRCh37 (hg19) VCF-style: chr12-31586171-C-T.
Other names: c.2129G>A, p.Ser710Asn (NM_001308339.2); c.2090G>A, p.Ser697Asn (NM_001366890.1); short protein forms S675N, S697N, S710N.
Identifiers: ClinVar variation 3767515 (VCV003767515.1).

ClinVar aggregate classification (germline): Uncertain significance (1 of 4 stars; one submission).

Submission:

GeneDx
Classification: Uncertain significance. Last evaluated: 2024-09-10. Review status: criteria provided, single submitter. Criteria: GeneDx Variant Classification Process June 2021. Collection method: clinical testing. Allele origin: germline. Affected: yes.
Comment: Not observed at significant frequency in large population cohorts (gnomAD); In silico analysis indicates that this missense variant does not alter protein structure/function; Has not been previously published as pathogenic or benign to our knowledge